The following is an entry in ClinVar:

NM_000179.3(MSH6):c.1317T>C (p.Asp439=)

Gene: MSH6 (mutS homolog 6; plus strand). Cytogenetic location: 2p16.3.
Variant type: single nucleotide variant.
Coding change: c.1317T>C on transcript NM_000179.3 (MANE Select); coding-DNA position 1317, T replaced by C.
Protein change: p.Asp439=; no amino-acid change (aspartic acid 439 retained).
Molecular consequence: synonymous variant.
Genome position (GRCh38, 1-based): chr2:47,799,300, T>C. VCF-style: chr2-47799300-T-C. GRCh37 (hg19) VCF-style: chr2-48026439-T-C.
Other names: c.927T>C, p.Asp309= (NM_001281492.2); c.411T>C, p.Asp137= (NM_001281493.2, NM_001281494.2).
Identifiers: ClinVar variation 797387 (VCV000797387.11), dbSNP rs1572722539, ClinGen allele CA426120995.

ClinVar aggregate classification (germline): Benign/Likely benign. Review status: criteria provided, multiple submitters, no conflicts (2 of 4 stars). 2 submissions from 2 submitters: Benign (1); Likely benign (1). Last evaluated 2024-12-26.

Conditions:
Hereditary nonpolyposis colorectal neoplasms. Identifiers: MedGen C0009405, MeSH D003123.
Lynch syndrome 5 (LYNCH5). Also called: Hereditary non-polyposis colorectal cancer, type 5; Colorectal cancer, hereditary nonpolyposis, type 5. Identifiers: Orphanet 144, MedGen C1833477, MONDO:0013710, OMIM 614350. Disease mechanism: loss of function.

Submissions (2):

Myriad Genetics, Inc.
Classification: Benign for Lynch syndrome 5. Last evaluated: 2024-12-26. Review status: criteria provided, single submitter. Criteria: Myriad Autosomal Dominant, Autosomal Recessive and X-Linked Classification Criteria (2023). Collection method: clinical testing. Allele origin: unknown.
Comment: This variant is considered benign. This variant is a silent/synonymous amino acid change and it is not expected to impact splicing.

Labcorp Genetics (formerly Invitae), Labcorp
Classification: Likely benign for Hereditary nonpolyposis colorectal neoplasms. Last evaluated: 2023-04-16. Review status: criteria provided, single submitter. Criteria: Invitae Variant Classification Sherloc (09022015). Collection method: clinical testing. Allele origin: germline.